The following is an entry in ClinVar:

ClinVar aggregate classification (germline): Uncertain significance. Review status: criteria provided, multiple submitters, no conflicts (2 of 4 stars). 4 submissions from 4 submitters: Uncertain significance (4). Last evaluated 2025-10-01.

Conditions:
Autosomal recessive limb-girdle muscular dystrophy type 2J (LGMDR10). Also called: Limb-girdle muscular dystrophy, type 2J; MUSCULAR DYSTROPHY, LIMB-GIRDLE, AUTOSOMAL RECESSIVE 10. Identifiers: Orphanet 140922, MedGen C1837342, MONDO:0012127, OMIM 608807.
Dilated cardiomyopathy 1G (CMD1G). Identifiers: Orphanet 154, MedGen C1858763, MONDO:0011400, OMIM 604145.

Allele frequency attached by ClinVar (database versions not stated): ExAC 0.00001; gnomAD 0.00001; gnomAD exomes 0.00001 and 0.00002; TOPMed 0.00003.
gnomAD v4.1: 18 of 1,612,642 alleles (0.0011%); highest among the groups gnomAD compares: Middle Eastern, 0.035%; no homozygotes.

Submissions (4):

GeneDx
Classification: Uncertain significance. Last evaluated: 2025-10-01. Review status: criteria provided, single submitter. Criteria: GeneDx Variant Classification Process June 2021. Collection method: clinical testing. Allele origin: germline.
Comment: Not observed at significant frequency in large population cohorts (gnomAD); Missense variant in a gene in which most reported pathogenic variants are truncating/loss of function; Has not been previously published as pathogenic or benign to our knowledge; This variant is associated with the following publications: (PMID: 23975875)

CeGaT Center for Human Genetics Tuebingen
Classification: Uncertain significance. Last evaluated: 2024-02-01. Review status: criteria provided, single submitter. Criteria: CeGaT Center For Human Genetics Tuebingen Variant Classification Criteria Version 2. Collection method: clinical testing. Allele origin: germline. Affected: yes. Observed: 1 variant allele.
Comment: TTN: PM2, BP4

Labcorp Genetics (formerly Invitae), Labcorp
Classification: Uncertain significance for Dilated cardiomyopathy 1G; Autosomal recessive limb-girdle muscular dystrophy type 2J. Last evaluated: 2017-08-18. Review status: criteria provided, single submitter. Criteria: Invitae Variant Classification Sherloc (09022015). Collection method: clinical testing. Allele origin: germline.

Breakthrough Genomics
Classification: Uncertain significance. Review status: criteria provided, single submitter. Criteria: ACMG Guidelines, 2015. Collection method: not provided. Allele origin: germline. Inheritance: Autosomal recessive inheritance. Affected: yes.

NM_001267550.2(TTN):c.36568A>G (p.Lys12190Glu)

Gene: TTN (titin; minus strand). Cytogenetic location: 2q31.2.
Variant type: single nucleotide variant.
Coding change: c.36568A>G on transcript NM_001267550.2 (MANE Select); coding-DNA position 36568, A replaced by G.
Protein change: p.Lys12190Glu; replaces lysine 12190 with glutamic acid.
Molecular consequence: missense variant. On other transcripts: intron variant (5).
Genome position (GRCh38, 1-based): chr2:178,663,481, T>C on the plus strand (A>G on the coding strand, the complement: TTN is on the minus strand). VCF-style: chr2-178663481-T-C. GRCh37 (hg19) VCF-style: chr2-179528208-T-C.
Other names: c.13283-21164A>G (NM_003319.4); c.13859-21164A>G (NM_133437.4); c.13658-21164A>G (NM_133432.3); c.31484-426A>G (NM_133378.4); c.34265-426A>G (NM_001256850.1); c.36568A>G (NM_001267550.1); short protein forms K12190E.
Identifiers: ClinVar variation 404757 (VCV000404757.28), dbSNP rs749339946, ClinGen allele CA1997401.